The following is an entry in ClinVar:

NM_000517.6(HBA2):c.376C>T (p.Leu126=)

Genes: HBA2 (hemoglobin subunit alpha 2; plus strand), LOC106804612 (hemoglobin subunit alpha 2 recombination region; plus strand). Cytogenetic location: 16p13.3.
Variant type: single nucleotide variant.
Coding change: c.376C>T on transcript NM_000517.6 (MANE Select); coding-DNA position 376, C replaced by T.
Protein change: p.Leu126=; no amino-acid change (leucine 126 retained).
Molecular consequence: synonymous variant.
Genome position (GRCh38, 1-based): chr16:173,547, C>T. VCF-style: chr16-173547-C-T. GRCh37 (hg19) VCF-style: chr16-223546-C-T.
Identifiers: ClinVar variation 4280309 (VCV004280309.2).

ClinVar aggregate classification (germline): Conflicting classifications of pathogenicity. Review status: no assertion criteria provided (0 of 4 stars). 2 submissions from 2 submitters: Likely pathogenic (1); Likely benign (1). Last evaluated 2024-06-21.

Conditions:
Heinz body anemia. Also called: Heinz body hemolytic anemia. Identifiers: Orphanet 178330, MedGen C0700299, MONDO:0007705, OMIM 140700, HP:0005511.
alpha Thalassemia. Also called: Alpha thalassemia spectrum. Identifiers: Orphanet 846, MedGen C0002312, MONDO:0011399, OMIM 604131.

Submissions (2):

Precision Medicine Lab Center, Yangjiang People's Hospital
Classification: Likely benign for alpha Thalassemia. Last evaluated: 2024-06-21. Review status: no assertion criteria provided. Collection method: clinical testing. Allele origin: germline. Observed: 3 variant alleles.
Comment: The HBA2:c.376C>T variation is a synonymous mutation, where the cytosine (C) to thymine (T) substitution results in the same amino acid, leucine (Leu).

Hong-Tao Li Lab, Institute of Brain Science and Brain-inspired Research, Shandong First Medical University & Shandong Academy of Medical Sciences China
Classification: Likely pathogenic for Heinz body anemia. Review status: no assertion criteria provided. Collection method: research. Allele origin: germline. Inheritance: Autosomal dominant inheritance. Affected: yes. Observed: 1 variant allele, 1 heterozygote.
Comment: Observed in affected individuals from a Pakistani neurodevelopmental-disorder research cohort of 263 individuals. Classification assigned using the ACMG/AMP framework.